The following is an entry in ClinVar:

ClinVar aggregate classification (germline): Uncertain significance (1 of 4 stars; one submission).

Conditions:
Early-infantile DEE. Also called: Ohtahara syndrome; Early infantile epileptic encephalopathy with suppression bursts; Early infantile epileptic encephalopathy. Identifiers: Orphanet 1934, MedGen C0393706, MONDO:0800491.

Submission:

Labcorp Genetics (formerly Invitae), Labcorp
Classification: Uncertain significance for Early-infantile DEE. Last evaluated: 2024-05-15. Review status: criteria provided, single submitter. Criteria: Invitae Variant Classification Sherloc (09022015). Collection method: clinical testing. Allele origin: germline.
Comment: This sequence change falls in intron 20 of the SCN1A gene. It does not directly change the encoded amino acid sequence of the SCN1A protein. However, this sequence change falls within a region encompassing a cryptic exon in the SCN1A gene, in which variants have been shown to alter splicing (PMID: 30526861, 34107977). This variant is not present in population databases (gnomAD no frequency). This variant has not been reported in the literature in individuals affected with SCN1A-related conditions. Algorithms developed to predict the effect of sequence changes on RNA splicing suggest that this variant is not likely to affect RNA splicing. In summary, the available evidence is currently insufficient to determine the role of this variant in disease. Therefore, it has been classified as a Variant of Uncertain Significance.

Literature cited by the submitters: PubMed 30526861; PubMed 34107977.

NM_001165963.4(SCN1A):c.4002+2276G>C

Genes: SCN1A (sodium voltage-gated channel alpha subunit 1; minus strand), LOC102724058 (uncharacterized LOC102724058; plus strand). Cytogenetic location: 2q24.3.
Variant type: single nucleotide variant.
Coding change: c.4002+2276G>C on transcript NM_001165963.4 (MANE Select); 2276 bases into the intron after coding-DNA position 4002, G replaced by C.
Molecular consequence: intron variant.
Genome position (GRCh38, 1-based): chr2:166,007,443, C>G on the plus strand (G>C on the coding strand, the complement: SCN1A is on the minus strand). VCF-style: chr2-166007443-C-G. GRCh37 (hg19) VCF-style: chr2-166863953-C-G.
Other names: c.3969+2276G>C (NM_001353949.2, NM_001353950.2, NM_001353951.2 and 2 more transcripts); c.3918+2276G>C (NM_001353958.2, NM_001353957.2, NM_001165964.3); c.4002+2276G>C (NM_001202435.3, NM_001353948.2); c.3966+2276G>C (NM_001353955.2, NM_001353954.2); c.3915+2276G>C (NM_001353960.2); c.1560+2276G>C (NM_001353961.2).
Identifiers: ClinVar variation 2852510 (VCV002852510.3), dbSNP rs2468472788, ClinGen allele CA2739271477.
Genomic context (GRCh38, chr2:166,007,443, plus strand): 5'-CGTCTGTTTCCCTATCCATTAAGACTTGAGTTCTTTTGAAAAAGAAGGTATTTAAGATTT[C>G]CTAGGTTAGGAAATTAAAAATACAAATTTAAACACAAATTTTATTTTACCCTAGATATTC-3'